The following is an entry in ClinVar:

ClinVar aggregate classification (germline): Uncertain significance. Review status: criteria provided, multiple submitters, no conflicts (2 of 4 stars). 3 submissions from 3 submitters: Uncertain significance (3). Last evaluated 2025-05-27.

Conditions:
Mitochondrial complex II deficiency, nuclear type 1. Also called: SUCCINATE CoQ REDUCTASE DEFICIENCY. Identifiers: Orphanet 3208, MedGen C5700310, MONDO:0100294, OMIM 252011.
Pheochromocytoma/paraganglioma syndrome 5. Also called: Paragangliomas 5; SDHA-Related Hereditary Paraganglioma-Pheochromocytoma Syndrome. Identifiers: Orphanet 29072, MedGen C3279992, MONDO:0013602, OMIM 614165.
Hereditary cancer-predisposing syndrome. Also called: Neoplastic Syndromes, Hereditary; Tumor predisposition; Hereditary neoplastic syndrome; Hereditary Cancer Syndrome. Identifiers: Orphanet 140162, MedGen C0027672, MeSH D009386, MONDO:0015356.

Allele frequency attached by ClinVar (database versions not stated): gnomAD exomes below 0.00001.
gnomAD v4.1: 10 of 1,613,858 alleles (0.00062%); highest among the groups gnomAD compares: Non-Finnish European, 0.00085%; no homozygotes.

Submissions (3):

Labcorp Genetics (formerly Invitae), Labcorp
Classification: Uncertain significance for Pheochromocytoma/paraganglioma syndrome 5; Mitochondrial complex II deficiency, nuclear type 1. Last evaluated: 2025-05-27. Review status: criteria provided, single submitter. Criteria: Invitae Variant Classification Sherloc (09022015). Collection method: clinical testing. Allele origin: germline.
Comment: This sequence change replaces glutamic acid, which is acidic and polar, with valine, which is neutral and non-polar, at codon 291 of the SDHA protein (p.Glu291Val). This variant is present in population databases (no rsID available, gnomAD 0.0009%). This variant has not been reported in the literature in individuals affected with SDHA-related conditions. ClinVar contains an entry for this variant (Variation ID: 641776). Invitae Evidence Modeling of protein sequence and biophysical properties (such as structural, functional, and spatial information, amino acid conservation, physicochemical variation, residue mobility, and thermodynamic stability) has been performed for this missense variant. However, the output from this modeling did not meet the statistical confidence thresholds required to predict the impact of this variant on SDHA protein function. In summary, the available evidence is currently insufficient to determine the role of this variant in disease. Therefore, it has been classified as a Variant of Uncertain Significance.

Ambry Genetics
Classification: Uncertain significance for Hereditary cancer-predisposing syndrome. Last evaluated: 2025-02-08. Review status: criteria provided, single submitter. Criteria: Ambry Variant Classification Scheme 2023. Collection method: clinical testing. Allele origin: germline.
Comment: The p.E291V variant (also known as c.872A>T), located in coding exon 7 of the SDHA gene, results from an A to T substitution at nucleotide position 872. The glutamic acid at codon 291 is replaced by valine, an amino acid with dissimilar properties. This amino acid position is highly conserved in available vertebrate species. In addition, this alteration is predicted to be deleterious by in silico analysis. Since supporting evidence is limited at this time, the clinical significance of this alteration remains unclear.

Mayo Clinic Laboratories, Mayo Clinic
Classification: Uncertain significance. Last evaluated: 2024-04-18. Review status: criteria provided, single submitter. Criteria: ACMG Guidelines, 2015. Collection method: clinical testing. Allele origin: germline. Observed: 1 variant allele.
Comment: PM2

NM_004168.4(SDHA):c.872A>T (p.Glu291Val)

Gene: SDHA (succinate dehydrogenase complex flavoprotein subunit A; plus strand). Cytogenetic location: 5p15.33.
Variant type: single nucleotide variant.
Coding change: c.872A>T on transcript NM_004168.4 (MANE Select); coding-DNA position 872, A replaced by T.
Protein change: p.Glu291Val; replaces glutamic acid 291 with valine.
Molecular consequence: missense variant.
Genome position (GRCh38, 1-based): chr5:230,977, A>T. VCF-style: chr5-230977-A-T. GRCh37 (hg19) VCF-style: chr5-231092-A-T.
Other names: p.Glu291Val; c.728A>T, p.Glu243Val (NM_001294332.2); c.872A>T, p.Glu291Val (NM_001330758.2); short protein forms E291V, E243V.
Identifiers: ClinVar variation 641776 (VCV000641776.15), dbSNP rs1336029027, ClinGen allele CA359011974.
Genomic context (GRCh38, chr5:230,977, plus strand): 5'-CCAGCACTGGCGACGGCACGGCCATGATCACCAGGGCAGGCCTTCCTTGCCAGGACCTAG[A>T]GTTTGTTCAGTTCCACCCTACAGGTAGGGCAGGACGCCTTGCCCGGCAGGTGTTTGGCTT-3'
Protein context (NP_004159.2, residues 281-301): TRAGLPCQDL[Glu291Val]FVQFHPTGIY